The following is an entry in ClinVar:

ClinVar aggregate classification (germline): Likely benign (1 of 4 stars; one submission).

Conditions:
Arthrogryposis, distal, type 1B. Identifiers: Orphanet 1146, MedGen C3280526, MONDO:0013698, OMIM 614335.

Allele frequency attached by ClinVar (database versions not stated): gnomAD exomes 0.00002 and 0.00003; ESP Exome Variant Server 0.00008; ExAC 0.00003.

Submission:

Illumina Laboratory Services, Illumina
Classification: Likely benign for Arthrogryposis, distal, type 1B. Last evaluated: 2018-01-13. Review status: criteria provided, single submitter. Criteria: ICSL Variant Classification Criteria 13 December 2019. Collection method: clinical testing. Allele origin: germline.
Comment: This variant was observed in the ICSL laboratory as part of a predisposition screen in an ostensibly healthy population. It had not been previously curated by ICSL or reported in the Human Gene Mutation Database (HGMD: prior to June 1st, 2018), and was therefore a candidate for classification through an automated scoring system. Utilizing variant allele frequency, disease prevalence and penetrance estimates, and inheritance mode, an automated score was calculated to assess if this variant is too frequent to cause the disease. Based on the score and internal cut-off values, a variant classified as likely benign is not then subjected to further curation. The score for this variant resulted in a classification of likely benign for this disease.

NM_002465.4(MYBPC1):c.2124G>A (p.Lys708=)

Gene: MYBPC1 (myosin binding protein C1; plus strand). Cytogenetic location: 12q23.2.
Variant type: single nucleotide variant.
Coding change: c.2124G>A on transcript NM_002465.4 (MANE Select); coding-DNA position 2124, G replaced by A.
Protein change: p.Lys708=; no amino-acid change (lysine 708 retained).
Molecular consequence: synonymous variant.
Genome position (GRCh38, 1-based): chr12:101,662,449, G>A. VCF-style: chr12-101662449-G-A. GRCh37 (hg19) VCF-style: chr12-102056227-G-A.
Other names: c.2049G>A, p.Lys683= (NM_001254718.3, NM_001254719.3, NM_206820.4 and 1 more transcripts); c.2013G>A, p.Lys671= (NM_001254720.3); c.1992G>A, p.Lys664= (NM_001254721.3, NM_001404676.1, NM_001404678.1); c.1971G>A, p.Lys657= (NM_001254722.3, NM_001404680.1); c.2010G>A, p.Lys670= (NM_001254723.3); c.2124G>A, p.Lys708= (NM_001404675.1, NM_206819.4); c.1914G>A, p.Lys638= (NM_001404677.1, NM_001404679.1, NM_001404681.1).
Identifiers: ClinVar variation 306740 (VCV000306740.7), dbSNP rs146295846, ClinGen allele CA6744976.
Genomic context (GRCh38, chr12:101,662,449, plus strand): 5'-CTCCAGGTGGATGAGGCTGAATTTTGATCTCTGCAAAGAAACAACTTTTGAGCCCAAGAA[G>A]ATGATTGAAGGTGTGGCCTATGAGGTCCGCATCTTTGCAGTCAATGCCATTGGCATCTCC-3'
Protein context (NP_002456.2, residues 698-718): LCKETTFEPK[Lys708=]MIEGVAYEVR